The following is an entry in ClinVar:

ClinVar aggregate classification (germline): Uncertain significance. Review status: criteria provided, multiple submitters, no conflicts (2 of 4 stars). 5 submissions from 5 submitters: Uncertain significance (5). Last evaluated 2023-09-21.

Conditions:
Inborn genetic diseases. Identifiers: MedGen C0950123, MeSH D030342.
Hereditary ataxia. Also called: Hereditary Ataxias. Identifiers: Orphanet 183518, MedGen C0004138, MONDO:0100309, MONDO:0000557.

Allele frequency attached by ClinVar (database versions not stated): gnomAD 0.00013 and 0.00014; ESP Exome Variant Server 0.00015; TOPMed 0.00016; ExAC 0.00018; gnomAD exomes 0.00018 and 0.00022.
gnomAD v4.1: 343 of 1,612,878 alleles (0.021%); highest among the groups gnomAD compares: Non-Finnish European, 0.025%; no homozygotes.

Submissions (5):

Mayo Clinic Laboratories, Mayo Clinic
Classification: Uncertain significance. Last evaluated: 2023-09-21. Review status: criteria provided, single submitter. Criteria: ACMG Guidelines, 2015. Collection method: clinical testing. Allele origin: germline. Observed: 1 variant allele.
Comment: PM2_moderate

Labcorp Genetics (formerly Invitae), Labcorp
Classification: Uncertain significance. Last evaluated: 2022-10-14. Review status: criteria provided, single submitter. Criteria: Invitae Variant Classification Sherloc (09022015). Collection method: clinical testing. Allele origin: germline.
Comment: This sequence change replaces glycine, which is neutral and non-polar, with aspartic acid, which is acidic and polar, at codon 636 of the PNPT1 protein (p.Gly636Asp). This variant is present in population databases (rs143197548, gnomAD 0.03%). This variant has not been reported in the literature in individuals affected with PNPT1-related conditions. ClinVar contains an entry for this variant (Variation ID: 1386876). Algorithms developed to predict the effect of missense changes on protein structure and function (SIFT, PolyPhen-2, Align-GVGD) all suggest that this variant is likely to be disruptive. Algorithms developed to predict the effect of sequence changes on RNA splicing suggest that this variant may create or strengthen a splice site. In summary, the available evidence is currently insufficient to determine the role of this variant in disease. Therefore, it has been classified as a Variant of Uncertain Significance.

GeneDx
Classification: Uncertain significance. Last evaluated: 2022-09-20. Review status: criteria provided, single submitter. Criteria: GeneDx Variant Classification Process June 2021. Collection method: clinical testing. Allele origin: germline. Affected: yes.
Comment: In silico analysis supports that this missense variant has a deleterious effect on protein structure/function; In silico analysis suggests this variant may impact gene splicing. In the absence of RNA/functional studies, the actual effect of this sequence change is unknown.; Has not been previously published as pathogenic or benign to our knowledge

Ambry Genetics
Classification: Uncertain significance for Inborn genetic diseases. Last evaluated: 2021-09-17. Review status: criteria provided, single submitter. Criteria: Ambry Variant Classification Scheme 2023. Collection method: clinical testing. Allele origin: germline.

Cambridge Genomics Laboratory, East Genomic Laboratory Hub, NHS Genomic Medicine Service
Classification: Uncertain significance for Hereditary ataxia. Last evaluated: 2019-04-17. Review status: criteria provided, single submitter. Criteria: ACGS Best Practice Guidelines for Variant Classification in Rare Disease 2020. Collection method: clinical testing. Allele origin: germline. Affected: yes. Observed: 1 variant allele.

NM_033109.5(PNPT1):c.1907G>A (p.Gly636Asp)

Gene: PNPT1 (polyribonucleotide nucleotidyltransferase 1; minus strand). Cytogenetic location: 2p16.1.
Variant type: single nucleotide variant.
Coding change: c.1907G>A on transcript NM_033109.5 (MANE Select); coding-DNA position 1907, G replaced by A.
Protein change: p.Gly636Asp; replaces glycine 636 with aspartic acid.
Molecular consequence: missense variant.
Genome position (GRCh38, 1-based): chr2:55,643,425, C>T on the plus strand (G>A on the coding strand, the complement: PNPT1 is on the minus strand). VCF-style: chr2-55643425-C-T. GRCh37 (hg19) VCF-style: chr2-55870560-C-T.
Other names: p.Gly636Asp; c.1907G>A (NM_033109.3); short protein forms G636D.
Identifiers: ClinVar variation 1386876 (VCV001386876.7), dbSNP rs143197548, ClinGen allele CA1667874.